The following is an entry in ClinVar:

NM_001042492.3(NF1):c.7646C>G (p.Ser2549Ter)

Gene: NF1 (neurofibromin 1; plus strand). Cytogenetic location: 17q11.2.
Variant type: single nucleotide variant.
Coding change: c.7646C>G on transcript NM_001042492.3 (MANE Select); coding-DNA position 7646, C replaced by G.
Protein change: p.Ser2549Ter; replaces serine 2549 with a stop codon.
Molecular consequence: nonsense.
Genome position (GRCh38, 1-based): chr17:31,356,490, C>G. VCF-style: chr17-31356490-C-G. GRCh37 (hg19) VCF-style: chr17-29683508-C-G.
Other names: c.7583C>G, p.Ser2528Ter (NM_000267.4); short protein forms S2549*, S2528*.
Identifiers: ClinVar variation 1983108 (VCV001983108.7), dbSNP rs2070273520, ClinGen allele CA399018039.
Genomic context (GRCh38, chr17:31,356,490, plus strand): 5'-AACTTGCATATTCTTAACTTTTGTTTATAGGAACAAGGAAAAGTTTTGATCACTTGATAT[C>G]AGACACAAAGGCTCCTAAAAGGCAAGAAATGGAATCAGGGATCACAACACCCCCCAAAAT-3'

ClinVar aggregate classification (germline): Pathogenic/Likely pathogenic. Review status: criteria provided, multiple submitters, no conflicts (2 of 4 stars). 4 submissions from 4 submitters: Pathogenic (3); Likely pathogenic (1). Last evaluated 2026-04-26.

Conditions:
Neurofibromatosis, type 1 (NF1). Also called: VON RECKLINGHAUSEN DISEASE; Neurofibromatosis, type I; NEUROFIBROMATOSIS, TYPE I, SOMATIC; Peripheral type neurofibromatosis. Identifiers: Orphanet 636, MedGen C0027831, MONDO:0018975, OMIM 162200. Disease mechanism: loss of function.
Juvenile myelomonocytic leukemia (JMML). Also called: LEUKEMIA, JUVENILE MYELOMONOCYTIC, SOMATIC. Identifiers: Orphanet 86834, MedGen C0349639, MONDO:0011908, OMIM 607785, HP:0012209.
Hereditary cancer-predisposing syndrome. Also called: Hereditary Cancer Syndrome; Hereditary neoplastic syndrome; Neoplastic Syndromes, Hereditary; Tumor predisposition. Identifiers: Orphanet 140162, MedGen C0027672, MeSH D009386, MONDO:0015356.
Cardiovascular phenotype. Identifiers: MedGen CN230736.

Submissions (4):

Dasa
Classification: Pathogenic. Last evaluated: 2026-04-26. Review status: criteria provided, single submitter. Criteria: DASA Assertion Criteria. Collection method: clinical testing. Allele origin: germline.
Comment: NM_001042492.3(NF1):c.7646C>G (p.Ser2549*) introduces a premature termination codon predicted to result in loss of normal protein function. Loss-of-function is an established mechanism of disease for this gene. This variant has been reported in individuals with related phenotype (PMID: 37983638). The variant is present at low frequency in population datasets. Based on the available data, this variant is classified as pathogenic.

Labcorp Genetics (formerly Invitae), Labcorp
Classification: Pathogenic for Neurofibromatosis, type 1. Last evaluated: 2026-01-13. Review status: criteria provided, single submitter. Criteria: Invitae Variant Classification Sherloc (09022015). Collection method: clinical testing. Allele origin: germline.
Comment: This sequence change creates a premature translational stop signal (p.Ser2528*) in the NF1 gene. It is expected to result in an absent or disrupted protein product. Loss-of-function variants in NF1 are known to be pathogenic (PMID: 10712197, 23913538). This variant is not present in population databases (gnomAD no frequency). This variant has not been reported in the literature in individuals affected with NF1-related conditions. Invitae Evidence Modeling of clinical and family history, age, sex, and reported ancestry of multiple individuals with this NF1 variant has been performed. This variant is expected to be pathogenic with a positive predictive value of at least 99%. This is a validated machine learning model that incorporates the clinical features of 1,785,918 individuals referred to our laboratory for NF1 testing. ClinVar contains an entry for this variant (Variation ID: 1983108). Algorithms developed to predict the effect of sequence changes on RNA splicing suggest that this variant may disrupt the consensus splice site. For these reasons, this variant has been classified as Pathogenic.

Ambry Genetics
Classification: Pathogenic for Cardiovascular phenotype; Hereditary cancer-predisposing syndrome. Last evaluated: 2023-06-14. Review status: criteria provided, single submitter. Criteria: Ambry Variant Classification Scheme 2023. Collection method: clinical testing. Allele origin: germline.
Comment: The p.S2528* variant (also known as c.7583C>G), located in coding exon 51 of the NF1 gene, results from a C to G substitution at nucleotide position 7583. This changes the amino acid from a serine to a stop codon within coding exon 51. This alteration has been observed in at least one individual with a personal and/or family history that is consistent with NF1-related disease (Ambry internal data). This variant is considered to be rare based on population cohorts in the Genome Aggregation Database (gnomAD). This alteration is expected to result in loss of function by premature protein truncation or nonsense-mediated mRNA decay. As such, this alteration is interpreted as a disease-causing mutation.

Baylor Genetics
Classification: Likely pathogenic for Juvenile myelomonocytic leukemia. Last evaluated: 2022-08-11. Review status: criteria provided, single submitter. Criteria: ACMG Guidelines, 2015. Collection method: clinical testing. Allele origin: unknown.

Literature cited by the submitters: PubMed 37983638 (cited by Dasa); PubMed 10712197 (cited by Labcorp Genetics (formerly Invitae), Labcorp); PubMed 23913538 (cited by Labcorp Genetics (formerly Invitae), Labcorp).